The following is an entry in ClinVar:

NM_194454.3(KRIT1):c.1980_1981delinsGT (p.Gly661Ter)

Gene: KRIT1 (KRIT1 ankyrin repeat containing; minus strand). Cytogenetic location: 7q21.2.
Variant type: Indel.
Coding change: c.1980_1981delinsGT on transcript NM_194454.3 (MANE Select); coding-DNA positions 1980 to 1981, AG replaced by GT.
Protein change: p.Gly661Ter; replaces glycine 661 with a stop codon.
Molecular consequence: nonsense.
Genome position (GRCh38, 1-based): chr7:92,213,239-92,213,240, CT replaced by AC on the plus strand (AG replaced by GT on the coding strand, the reverse complement: KRIT1 is on the minus strand). VCF-style: chr7-92213239-CT-AC. GRCh37 (hg19) VCF-style: chr7-91842553-CT-AC.
Other names: c.1836_1837delinsGT, p.Gly613Ter (NM_001013406.2, NM_001350669.1, NM_001350670.1); c.1266_1267delinsGT, p.Gly423Ter (NM_001350671.1); c.1980_1981delinsGT, p.Gly661Ter (NM_001350672.1, NM_001350673.1, NM_001350674.1 and 26 more transcripts); short protein forms G423*, G613*, G661*.
Identifiers: ClinVar variation 1075474 (VCV001075474.9), dbSNP rs2131307481, ClinGen allele CA2499219032.

ClinVar aggregate classification (germline): Pathogenic (1 of 4 stars; one submission).

Conditions:
Cerebral cavernous malformation (CCM). Also called: Cerebral cavernous malformations; Cerebral cavernous hemangioma (type); CAVERNOUS ANGIOMA, FAMILIAL; CAVERNOUS ANGIOMATOUS MALFORMATIONS; CEREBRAL CAPILLARY MALFORMATIONS; Cavernous Hemangioma of Brain. Identifiers: Orphanet 221061, MedGen C2919945, MONDO:0000820, OMIM 116860, HP:0033522.

Submission:

Labcorp Genetics (formerly Invitae), Labcorp
Classification: Pathogenic for Cerebral cavernous malformation. Last evaluated: 2020-06-15. Review status: criteria provided, single submitter. Criteria: Invitae Variant Classification Sherloc (09022015). Collection method: clinical testing. Allele origin: germline.
Comment: This nonsense change has been observed in individual(s) with cerebral cavernous malformations (PMID: 30161288). The frequency data for this variant in the population databases is not available, as this variant may be reported as separate entries in the ExAC database. This sequence change creates a premature translational stop signal (p.Gly661*) in the KRIT1 gene. It is expected to result in an absent or disrupted protein product. Algorithms developed to predict the effect of sequence changes on RNA splicing suggest that this variant may create or strengthen a splice site, but this prediction has not been confirmed by published transcriptional studies. For these reasons, this variant has been classified as Pathogenic. Loss-of-function variants in KRIT1 are known to be pathogenic (PMID: 10508515, 11222804, 12404106, 24689081).

Literature cited by the submitters: PubMed 30161288; PubMed 10508515; PubMed 11222804; PubMed 12404106; PubMed 24689081.